The following is an entry in ClinVar:

NM_000051.4(ATM):c.8642A>G (p.Gln2881Arg)

Genes: ATM (ATM serine/threonine kinase; plus strand), C11orf65 (chromosome 11 open reading frame 65; minus strand). Cytogenetic location: 11q22.3.
Variant type: single nucleotide variant.
Coding change: c.8642A>G on transcript NM_000051.4 (MANE Select); coding-DNA position 8642, A replaced by G.
Protein change: p.Gln2881Arg; replaces glutamine 2881 with arginine.
Molecular consequence: missense variant. On other transcripts: intron variant (2).
Genome position (GRCh38, 1-based): chr11:108,347,336, A>G. VCF-style: chr11-108347336-A-G. GRCh37 (hg19) VCF-style: chr11-108218063-A-G.
Other names: c.8642A>G, p.Gln2881Arg (NM_001351834.2); c.641-38265T>C (NM_001330368.2); c.695-12044T>C (NM_001351110.2); short protein forms Q2881R.
Identifiers: ClinVar variation 490740 (VCV000490740.10), dbSNP rs1555139623, ClinGen allele CA382520973.

ClinVar aggregate classification (germline): Uncertain significance. Review status: criteria provided, multiple submitters, no conflicts (2 of 4 stars). 2 submissions from 2 submitters: Uncertain significance (2). Last evaluated 2025-12-15.

Conditions:
Hereditary cancer-predisposing syndrome. Also called: Hereditary Cancer Syndrome; Neoplastic Syndromes, Hereditary; Tumor predisposition; Hereditary neoplastic syndrome. Identifiers: Orphanet 140162, MedGen C0027672, MeSH D009386, MONDO:0015356.
Ataxia-telangiectasia syndrome (AT). Also called: Cerebello-oculocutaneous telangiectasia; Immunodeficiency with ataxia telangiectasia; Ataxia-telangiectasia, complementation group E; Ataxia-telangiectasia, complementation group D; AT, COMPLEMENTATION GROUP C; ATAXIA-TELANGIECTASIA, COMPLEMENTATION GROUP A. Identifiers: Orphanet 100, MedGen C0004135, MONDO:0008840, OMIM 208900.

Allele frequency attached by ClinVar (database versions not stated): gnomAD exomes 0.00001.
gnomAD v4.1: 10 of 1,610,468 alleles (0.00062%); highest among the groups gnomAD compares: Non-Finnish European, 0.00085%; no homozygotes.

Submissions (2):

Labcorp Genetics (formerly Invitae), Labcorp
Classification: Uncertain significance for Ataxia-telangiectasia syndrome. Last evaluated: 2025-12-15. Review status: criteria provided, single submitter. Criteria: Invitae Variant Classification Sherloc (09022015). Collection method: clinical testing. Allele origin: germline.
Comment: This sequence change replaces glutamine, which is neutral and polar, with arginine, which is basic and polar, at codon 2881 of the ATM protein (p.Gln2881Arg). This variant is not present in population databases (gnomAD no frequency). This variant has not been reported in the literature in individuals affected with ATM-related conditions. ClinVar contains an entry for this variant (Variation ID: 490740). Invitae Evidence Modeling of protein sequence and biophysical properties (such as structural, functional, and spatial information, amino acid conservation, physicochemical variation, residue mobility, and thermodynamic stability) indicates that this missense variant is not expected to disrupt ATM protein function with a negative predictive value of 95%. In summary, the available evidence is currently insufficient to determine the role of this variant in disease. Therefore, it has been classified as a Variant of Uncertain Significance.

Color Diagnostics, LLC DBA Color Health
Classification: Uncertain significance for Hereditary cancer-predisposing syndrome. Last evaluated: 2023-12-05. Review status: criteria provided, single submitter. Criteria: ACMG Guidelines, 2015. Collection method: clinical testing. Allele origin: germline.
Comment: This missense variant replaces glutamine with arginine at codon 2881 of the ATM protein. Computational prediction suggests that this variant may not impact protein structure and function (internally defined REVEL score threshold <= 0.5, PMID: 27666373). To our knowledge, functional studies have not been reported for this variant. This variant has not been reported in individuals affected with ATM-related disorders in the literature. This variant has not been identified in the general population by the Genome Aggregation Database (gnomAD). The available evidence is insufficient to determine the role of this variant in disease conclusively. Therefore, this variant is classified as a Variant of Uncertain Significance.